The following is an entry in ClinVar:

NM_006662.3(SRCAP):c.9361C>T (p.Arg3121Trp)

Gene: SRCAP (Snf2 related CREBBP activator protein; plus strand). Cytogenetic location: 16p11.2.
Variant type: single nucleotide variant.
Coding change: c.9361C>T on transcript NM_006662.3 (MANE Select); coding-DNA position 9361, C replaced by T.
Protein change: p.Arg3121Trp; replaces arginine 3121 with tryptophan.
Molecular consequence: missense variant.
Genome position (GRCh38, 1-based): chr16:30,739,401, C>T. VCF-style: chr16-30739401-C-T. GRCh37 (hg19) VCF-style: chr16-30750722-C-T.
Other names: short protein forms R3121W.
Identifiers: ClinVar variation 4770216 (VCV004770216.1).

ClinVar aggregate classification (germline): Uncertain significance (1 of 4 stars; one submission).

Submission:

Labcorp Genetics (formerly Invitae), Labcorp
Classification: Uncertain significance. Last evaluated: 2025-10-26. Review status: criteria provided, single submitter. Criteria: Invitae Variant Classification Sherloc (09022015). Collection method: clinical testing. Allele origin: germline.
Comment: This sequence change replaces arginine, which is basic and polar, with tryptophan, which is neutral and slightly polar, at codon 3121 of the SRCAP protein (p.Arg3121Trp). This variant is present in population databases (rs750399554, gnomAD 0.002%). This missense change has been observed in individual(s) with autism (PMID: 35982159). Invitae Evidence Modeling of protein sequence and biophysical properties (such as structural, functional, and spatial information, amino acid conservation, physicochemical variation, residue mobility, and thermodynamic stability) has been performed for this missense variant. However, the output from this modeling did not meet the statistical confidence thresholds required to predict the impact of this variant on SRCAP protein function. In summary, the available evidence is currently insufficient to determine the role of this variant in disease. Therefore, it has been classified as a Variant of Uncertain Significance.

Literature cited by the submitters: PubMed 35982159.